The following is an entry in ClinVar:

NM_015450.3(POT1):c.126T>G (p.Asp42Glu)

Gene: POT1 (protection of telomeres 1; minus strand). Cytogenetic location: 7q31.33.
Variant type: single nucleotide variant.
Coding change: c.126T>G on transcript NM_015450.3 (MANE Select); coding-DNA position 126, T replaced by G.
Protein change: p.Asp42Glu; replaces aspartic acid 42 with glutamic acid.
Molecular consequence: missense variant. On other transcripts: non-coding transcript variant (3), intron variant (1).
Genome position (GRCh38, 1-based): chr7:124,871,040, A>C on the plus strand (T>G on the coding strand, the complement: POT1 is on the minus strand). VCF-style: chr7-124871040-A-C. GRCh37 (hg19) VCF-style: chr7-124511094-A-C.
Other names: c.-138-7400T>G (NM_001042594.2); short protein forms D42E.
Identifiers: ClinVar variation 475035 (VCV000475035.13), dbSNP rs1554429221, ClinGen allele CA369061740.

ClinVar aggregate classification (germline): Pathogenic/Likely pathogenic. Review status: criteria provided, multiple submitters, no conflicts (2 of 4 stars). 2 submissions from 2 submitters: Pathogenic (1); Likely pathogenic (1). Last evaluated 2025-10-22.

Conditions:
Tumor predisposition syndrome 3 (TPDS3). Also called: Glioma susceptibility 9; LONG TELOMERE SYNDROME, POT1-RELATED; POT1 Tumor Predisposition; Melanoma, cutaneous malignant, susceptibility to, 10. Identifiers: Orphanet 618, MedGen C4014476, MONDO:0014368, OMIM 615848.
Hereditary cancer-predisposing syndrome. Also called: Hereditary neoplastic syndrome; Hereditary Cancer Syndrome; Neoplastic Syndromes, Hereditary; Tumor predisposition. Identifiers: Orphanet 140162, MedGen C0027672, MeSH D009386, MONDO:0015356.

Submissions (2):

Ambry Genetics
Classification: Likely pathogenic for Hereditary cancer-predisposing syndrome. Last evaluated: 2025-10-22. Review status: criteria provided, single submitter. Criteria: Ambry Variant Classification Scheme 2023. Collection method: clinical testing. Allele origin: germline.
Comment: The p.D42E variant (also known as c.126T>G), located in coding exon 3 of the POT1 gene, results from a T to G substitution at nucleotide position 126. The aspartic acid at codon 42 is replaced by glutamic acid, an amino acid with highly similar properties. This alteration has been observed in multiple individuals with a personal and/or family history that is consistent with POT1-related disease and was shown to segregate with disease in at least one family (Ambry internal data). This amino acid position is highly conserved in available vertebrate species. In addition, the in silico prediction for this alteration is inconclusive. This variant is considered to be rare based on population cohorts in the Genome Aggregation Database (gnomAD). Based on the majority of available evidence to date, this variant is likely to be pathogenic.

Labcorp Genetics (formerly Invitae), Labcorp
Classification: Pathogenic for Tumor predisposition syndrome 3. Last evaluated: 2024-07-29. Review status: criteria provided, single submitter. Criteria: Invitae Variant Classification Sherloc (09022015). Collection method: clinical testing. Allele origin: germline.
Comment: This sequence change replaces aspartic acid, which is acidic and polar, with glutamic acid, which is acidic and polar, at codon 42 of the POT1 protein (p.Asp42Glu). This variant is not present in population databases (gnomAD no frequency). This missense change has been observed in individuals with POT1-related conditions (Invitae; external communication). ClinVar contains an entry for this variant (Variation ID: 475035). An algorithm developed to predict the effect of missense changes on protein structure and function (PolyPhen-2) suggests that this variant is likely to be disruptive. RNA analysis provides insufficient evidence to determine the effect of this variant on POT1 splicing (Invitae). For these reasons, this variant has been classified as Pathogenic.